The following is an entry in ClinVar:

NM_020975.6(RET):c.841G>A (p.Ala281Thr)

Gene: RET (ret proto-oncogene; plus strand). Cytogenetic location: 10q11.21.
Variant type: single nucleotide variant.
Coding change: c.841G>A on transcript NM_020975.6 (MANE Select); coding-DNA position 841, G replaced by A.
Protein change: p.Ala281Thr; replaces alanine 281 with threonine.
Molecular consequence: missense variant. On other transcripts: intron variant (22).
Genome position (GRCh38, 1-based): chr10:43,105,167, G>A. VCF-style: chr10-43105167-G-A. GRCh37 (hg19) VCF-style: chr10-43600615-G-A.
Other names: c.79G>A, p.Ala27Thr (NM_001355216.2); c.841G>A, p.Ala281Thr (NM_001406743.1, NM_001406744.1, NM_001406759.1 and 8 more transcripts); c.712G>A, p.Ala238Thr (NM_001406761.1, NM_001406762.1, NM_001406764.1 and 2 more transcripts); c.625+2538G>A (NM_001406773.1, NM_001406771.1, NM_001406782.1 and 5 more transcripts); c.496+2538G>A (NM_001406786.1, NM_001406783.1); c.553G>A, p.Ala185Thr (NM_001406766.1, NM_001406767.1, NM_001406770.1); c.338-3864G>A (NM_001406778.1, NM_001406775.1, NM_001406776.1 and 1 more transcripts); c.337+4445G>A (NM_001406790.1, NM_001406788.1, NM_001406789.1 and 1 more transcripts); and 2 more; short protein forms A281T, A27T, A185T, A238T.
Identifiers: ClinVar variation 2993424 (VCV002993424.3), dbSNP rs2132708920, ClinGen allele CA376545308.
Genomic context (GRCh38, chr10:43,105,167, plus strand): 5'-ACCGTGTACGACGAGGACGACTCGGCGCCCACCTTCCCCGCGGGCGTCGACACCGCCAGC[G>A]CCGTGGTGGAGTTCAAGCGGAAGGAGGTGCTTGTCCGCGCGTGCTGTGGTCTACCCAGTG-3'
Protein context (NP_066124.1, residues 271-291): TFPAGVDTAS[Ala281Thr]VVEFKRKEDT

ClinVar aggregate classification (germline): Uncertain significance (1 of 4 stars; one submission).

Conditions:
Multiple endocrine neoplasia, type 2 (MEN2). Identifiers: Orphanet 653, MedGen C4048306, MONDO:0019003. Disease mechanism: gain of function.

Submission:

Labcorp Genetics (formerly Invitae), Labcorp
Classification: Uncertain significance for Multiple endocrine neoplasia, type 2. Last evaluated: 2023-01-30. Review status: criteria provided, single submitter. Criteria: Invitae Variant Classification Sherloc (09022015). Collection method: clinical testing. Allele origin: germline.
Comment: This variant is not present in population databases (gnomAD no frequency). This variant has not been reported in the literature in individuals affected with RET-related conditions. Algorithms developed to predict the effect of missense changes on protein structure and function output the following: SIFT: "Tolerated"; PolyPhen-2: "Benign"; Align-GVGD: "Class C0". The threonine amino acid residue is found in multiple mammalian species, which suggests that this missense change does not adversely affect protein function. In summary, the available evidence is currently insufficient to determine the role of this variant in disease. Therefore, it has been classified as a Variant of Uncertain Significance. This sequence change replaces alanine, which is neutral and non-polar, with threonine, which is neutral and polar, at codon 281 of the RET protein (p.Ala281Thr).